The following is an entry in ClinVar:

ClinVar aggregate classification (germline): Uncertain significance. Review status: criteria provided, multiple submitters, no conflicts (2 of 4 stars). 2 submissions from 2 submitters: Uncertain significance (2). Last evaluated 2026-05-02.

Conditions:
Neurodevelopmental disorder with dysmorphic facies and distal limb anomalies. Identifiers: Orphanet 686482, MedGen C4540327, MONDO:0060596, OMIM 617755.
BPTF-related disorder. Also called: BPTF-related condition.

Submissions (2):

Clinical Genomics Laboratory, Washington University in St. Louis
Classification: Uncertain significance for Neurodevelopmental disorder with dysmorphic facies and distal limb anomalies. Last evaluated: 2026-05-02. Review status: criteria provided, single submitter. Criteria: ACMG Guidelines, 2015. Collection method: clinical testing. Allele origin: germline.
Comment: The BPTF c.1576G>A (p.Glu526Lys) variant, to our knowledge, has not been reported in the medical literature. This variant is only observed in 1/251,248 alleles in the general population (gnomAD v2.1.1), indicating it is not a common variant. Computational predictors are uncertain as to the impact of this variant on BPTF function. Due to limited information, and based on ACMG/AMP guidelines for variant interpretation (Richards S et al., PMID: 25741868), the clinical significance of this variant is uncertain at this time.

PreventionGenetics, part of Exact Sciences
Classification: Uncertain significance for BPTF-related condition. Last evaluated: 2026-03-30. Review status: criteria provided, single submitter. Criteria: ACMG Guidelines, 2015. Collection method: clinical testing. Allele origin: germline.
Comment: The BPTF c.1576G>A variant is predicted to result in the amino acid substitution p.Glu526Lys. To our knowledge, this variant has not been reported in the literature. This variant is reported in 0.00088% of alleles in individuals of European (non-Finnish) descent in gnomAD. At this time, the clinical significance of this variant is uncertain due to the absence of conclusive functional and genetic evidence.

NM_182641.4(BPTF):c.1576G>A (p.Glu526Lys)

Gene: BPTF (bromodomain PHD finger transcription factor; plus strand). Cytogenetic location: 17q24.2.
Variant type: single nucleotide variant.
Coding change: c.1576G>A on transcript NM_182641.4 (MANE Select); coding-DNA position 1576, G replaced by A.
Protein change: p.Glu526Lys; replaces glutamic acid 526 with lysine.
Molecular consequence: missense variant.
Genome position (GRCh38, 1-based): chr17:67,866,603, G>A. VCF-style: chr17-67866603-G-A. GRCh37 (hg19) VCF-style: chr17-65862719-G-A.
Other names: c.1576G>A (NM_182641.3); c.1576G>A, p.Glu526Lys (NM_001439139.1, NM_001439140.1, NM_001439141.1 and 4 more transcripts); short protein forms E526K.
Identifiers: ClinVar variation 4879283 (VCV004879283.2).